The following is an entry in ClinVar:

ClinVar aggregate classification (germline): Pathogenic/Likely pathogenic. Review status: criteria provided, multiple submitters, no conflicts (2 of 4 stars). 2 submissions from 2 submitters: Pathogenic (1); Likely pathogenic (1). Last evaluated 2023-10-24.

Conditions:
Autosomal recessive hypohidrotic ectodermal dysplasia syndrome. Also called: Autosomal recessive hypohidrotic ectodermal dysplasia. Identifiers: Orphanet 248, MedGen C0406702, MONDO:0016619.
Ectodermal dysplasia 10A, hypohidrotic/hair/nail type, autosomal dominant (ECTD10A). Also called: Ectodermal Dysplasia 3, Anhidrotic. Identifiers: Orphanet 1810, Orphanet 238468, MedGen C3888065, MONDO:0007509, OMIM 129490.

Submissions (2):

Labcorp Genetics (formerly Invitae), Labcorp
Classification: Pathogenic for Ectodermal dysplasia 10A, hypohidrotic/hair/nail type, autosomal dominant; Autosomal recessive hypohidrotic ectodermal dysplasia syndrome. Last evaluated: 2023-10-24. Review status: criteria provided, single submitter. Criteria: Invitae Variant Classification Sherloc (09022015). Collection method: clinical testing. Allele origin: germline.
Comment: This sequence change replaces cysteine, which is neutral and slightly polar, with arginine, which is basic and polar, at codon 428 of the EDAR protein (p.Cys428Arg). This variant is not present in population databases (gnomAD no frequency). This missense change has been observed in individual(s) with clinical features of EDAR-related conditions (Invitae). In at least one individual the variant was observed to be de novo. ClinVar contains an entry for this variant (Variation ID: 1714868). Advanced modeling of protein sequence and biophysical properties (such as structural, functional, and spatial information, amino acid conservation, physicochemical variation, residue mobility, and thermodynamic stability) performed at Invitae indicates that this missense variant is expected to disrupt EDAR protein function with a positive predictive value of 80%. For these reasons, this variant has been classified as Pathogenic.

Clinical Genetics Laboratory, Skane University Hospital Lund
Classification: Likely pathogenic. Last evaluated: 2022-10-18. Review status: criteria provided, single submitter. Criteria: ACMG Guidelines, 2015. Collection method: clinical testing. Allele origin: germline. Affected: yes.

NM_022336.4(EDAR):c.1282T>C (p.Cys428Arg)

Genes: EDAR (ectodysplasin A receptor; minus strand), RANBP2 (RAN binding protein 2; plus strand). Cytogenetic location: 2q13.
Variant type: single nucleotide variant.
Coding change: c.1282T>C on transcript NM_022336.4 (MANE Select); coding-DNA position 1282, T replaced by C.
Protein change: p.Cys428Arg; replaces cysteine 428 with arginine.
Molecular consequence: missense variant.
Genome position (GRCh38, 1-based): chr2:108,896,972, A>G on the plus strand (T>C on the coding strand, the complement: EDAR is on the minus strand). VCF-style: chr2-108896972-A-G. GRCh37 (hg19) VCF-style: chr2-109513428-A-G.
Other names: short protein forms C428R.
Identifiers: ClinVar variation 1714868 (VCV001714868.6), dbSNP rs2470612697, ClinGen allele CA348047651.